The following is an entry in ClinVar:

NM_002203.4(ITGA2):c.3252C>T (p.Phe1084=)

Gene: ITGA2 (integrin subunit alpha 2; plus strand). Cytogenetic location: 5q11.2.
Variant type: single nucleotide variant.
Coding change: c.3252C>T on transcript NM_002203.4 (MANE Select); coding-DNA position 3252, C replaced by T.
Protein change: p.Phe1084=; no amino-acid change (phenylalanine 1084 retained).
Molecular consequence: synonymous variant. On other transcripts: non-coding transcript variant (5).
Genome position (GRCh38, 1-based): chr5:53,083,447, C>T. VCF-style: chr5-53083447-C-T. GRCh37 (hg19) VCF-style: chr5-52379277-C-T.
Identifiers: ClinVar variation 353779 (VCV000353779.8), dbSNP rs2303122, ClinGen allele CA3263453.

ClinVar aggregate classification (germline): Benign/Likely benign. Review status: criteria provided, multiple submitters, no conflicts (2 of 4 stars). 4 submissions from 4 submitters: Benign (3); Likely benign (1). Last evaluated 2024-11-26.

Conditions:
Platelet-type bleeding disorder 9 (BDPLT9). Also called: GLYCOPROTEIN Ia DEFICIENCY; GP Ia DEFICIENCY; COLLAGEN PLATELET RECEPTOR DEFICIENCY. Identifiers: Orphanet 73271, Orphanet 98886, MedGen C3280114, MONDO:0013622, OMIM 614200.

Allele frequency attached by ClinVar (database versions not stated): 1000 Genomes Project 30x 0.32948; 1000 Genomes Project 0.33187; ESP Exome Variant Server 0.34246; gnomAD 0.34753 and 0.34798; TOPMed 0.34780; ExAC 0.36315; gnomAD exomes 0.36491 and 0.36777.
gnomAD v4.1: 568,410 of 1,565,140 alleles (36%); highest among the groups gnomAD compares: Admixed American, 43%; 104,383 homozygotes.

Submissions (4):

Blueprint Genetics
Classification: Likely benign. Last evaluated: 2024-11-26. Review status: criteria provided, single submitter. Criteria: ACMG Guidelines, 2015. Collection method: clinical testing. Allele origin: germline.

GeneDx
Classification: Benign. Last evaluated: 2018-11-12. Review status: criteria provided, single submitter. Criteria: GeneDx Variant Classification Process June 2021. Collection method: clinical testing. Allele origin: germline. Affected: yes.

Illumina Laboratory Services, Illumina
Classification: Benign for Platelet-type bleeding disorder 9. Last evaluated: 2018-01-13. Review status: criteria provided, single submitter. Criteria: ICSL Variant Classification Criteria 13 December 2019. Collection method: clinical testing. Allele origin: germline.
Comment: This variant was observed in the ICSL laboratory as part of a predisposition screen in an ostensibly healthy population. It had not been previously curated by ICSL or reported in the Human Gene Mutation Database (HGMD: prior to June 1st, 2018), and was therefore a candidate for classification through an automated scoring system. Utilizing variant allele frequency, disease prevalence and penetrance estimates, and inheritance mode, an automated score was calculated to assess if this variant is too frequent to cause the disease. Based on the score and internal cut-off values, a variant classified as benign is not then subjected to further curation. The score for this variant resulted in a classification of benign for this disease.

Breakthrough Genomics
Classification: Benign. Review status: criteria provided, single submitter. Criteria: ACMG Guidelines, 2015. Collection method: not provided. Allele origin: germline. Inheritance: Unknown mechanism. Affected: yes.